The following is an entry in ClinVar:

ClinVar aggregate classification (germline): Uncertain significance. Review status: criteria provided, multiple submitters, no conflicts (2 of 4 stars). 2 submissions from 2 submitters: Uncertain significance (2). Last evaluated 2025-06-17.

Conditions:
Osteopathia striata with cranial sclerosis (OSCS). Also called: HYPEROSTOSIS GENERALISATA WITH STRIATIONS. Identifiers: Orphanet 2780, MedGen C0432268, MONDO:0010310, OMIM 300373.

Allele frequency attached by ClinVar (database versions not stated): ExAC 0.00001; TOPMed 0.00002; gnomAD 0.00003; gnomAD exomes 0.00006.
gnomAD v4.1: 62 of 1,165,548 alleles (0.0053%); highest among the groups gnomAD compares: Non-Finnish European, 0.0068%; no homozygotes.

Submissions (2):

St. Jude Molecular Pathology, St. Jude Children's Research Hospital
Classification: Uncertain significance for Osteopathia striata with cranial sclerosis. Last evaluated: 2025-06-17. Review status: criteria provided, single submitter. Criteria: St. Jude Assertion Criteria 2020. Collection method: clinical testing. Allele origin: germline.
Comment: The AMER1 c.638A>G p.(Gln213Arg) missense change has a maximum subpopulation frequency of 0.0039% in gnomAD v2.1.1. The in silico tool REVEL predicts a benign effect on protein function, but to our knowledge this prediction has not been confirmed by functional studies. To our knowledge, this variant has not been reported in individuals with AMER1- associated conditions. In summary, the evidence currently available is insufficient to determine the clinical significance of this variant. It has therefore been classified as of uncertain significance.

Labcorp Genetics (formerly Invitae), Labcorp
Classification: Uncertain significance. Last evaluated: 2025-03-20. Review status: criteria provided, single submitter. Criteria: Invitae Variant Classification Sherloc (09022015). Collection method: clinical testing. Allele origin: germline.
Comment: This sequence change replaces glutamine, which is neutral and polar, with arginine, which is basic and polar, at codon 213 of the AMER1 protein (p.Gln213Arg). This variant is present in population databases (rs749429391, gnomAD 0.004%). This variant has not been reported in the literature in individuals affected with AMER1-related conditions. ClinVar contains an entry for this variant (Variation ID: 1928256). An algorithm developed to predict the effect of missense changes on protein structure and function outputs the following: PolyPhen-2: "Benign". The arginine amino acid residue is found in multiple mammalian species, which suggests that this missense change does not adversely affect protein function. In summary, the available evidence is currently insufficient to determine the role of this variant in disease. Therefore, it has been classified as a Variant of Uncertain Significance.

NM_152424.4(AMER1):c.638A>G (p.Gln213Arg)

Gene: AMER1 (APC membrane recruitment protein 1; minus strand). Cytogenetic location: Xq11.2.
Variant type: single nucleotide variant.
Coding change: c.638A>G on transcript NM_152424.4 (MANE Select); coding-DNA position 638, A replaced by G.
Protein change: p.Gln213Arg; replaces glutamine 213 with arginine.
Molecular consequence: missense variant.
Genome position (GRCh38, 1-based): chrX:64,192,649, T>C on the plus strand (A>G on the coding strand, the complement: AMER1 is on the minus strand). VCF-style: chrX-64192649-T-C. GRCh37 (hg19) VCF-style: chrX-63412529-T-C.
Other names: short protein forms Q213R.
Identifiers: ClinVar variation 1928256 (VCV001928256.7), dbSNP rs749429391, ClinGen allele CA10432445.
Genomic context (GRCh38, chrX:64,192,649, plus strand): 5'-TCTTGGGGGTTAGCATTTTCCTTTCTAGGGGCTTGGAAGGTCTCCTCAAAGCAGGGCACC[T>C]GAGGGGCTGAGCTCACGTGCTCATGAGGCCTGGCTCTGACCCTCTCAGGCCCCTTGGCCC-3'
Protein context (NP_689637.3, residues 203-223): RPHEHVSSAP[Gln213Arg]VPCFEETFQA